The following is an entry in ClinVar:

NM_002485.5(NBN):c.1518del (p.Gln506fs)

Gene: NBN (nibrin; minus strand). Cytogenetic location: 8q21.3.
Variant type: Deletion.
Coding change: c.1518del on transcript NM_002485.5 (MANE Select); coding-DNA position 1518, one base deleted (G; older notation c.1518delG).
Protein change: p.Gln506fs; shifts the reading frame from glutamine 506.
Molecular consequence: frameshift variant.
Genome position (GRCh38, 1-based): chr8:89,953,571, C deleted on the plus strand (G on the coding strand, the reverse complement: NBN is on the minus strand). VCF-style (leftmost placement, unchanged base first): chr8-89953570-GC-G. GRCh37 (hg19) VCF-style: chr8-90965798-GC-G.
Other names: c.1272del, p.Gln424fs (NM_001024688.3); short protein forms Q424fs, Q506fs.
Identifiers: ClinVar variation 3239836 (VCV003239836.2), dbSNP rs2488233039.

ClinVar aggregate classification (germline): Pathogenic/Likely pathogenic. Review status: criteria provided, multiple submitters, no conflicts (2 of 4 stars). 2 submissions from 2 submitters: Pathogenic (1); Likely pathogenic (1). Last evaluated 2024-05-03.

Conditions:
Aplastic anemia. Identifiers: Orphanet 182040, Orphanet 88, MedGen C0002874, MONDO:0015909, OMIM 609135, HP:0001915.
Hereditary cancer-predisposing syndrome. Also called: Neoplastic Syndromes, Hereditary; Tumor predisposition; Hereditary neoplastic syndrome; Hereditary Cancer Syndrome. Identifiers: Orphanet 140162, MedGen C0027672, MeSH D009386, MONDO:0015356.

Submissions (2):

Ambry Genetics
Classification: Pathogenic for Hereditary cancer-predisposing syndrome. Last evaluated: 2024-05-03. Review status: criteria provided, single submitter. Criteria: Ambry Variant Classification Scheme 2023. Collection method: clinical testing. Allele origin: germline.
Comment: The c.1518delG pathogenic mutation, located in coding exon 11 of the NBN gene, results from a deletion of one nucleotide at nucleotide position 1518, causing a translational frameshift with a predicted alternate stop codon (p.Q506Hfs*23). This variant is considered to be rare based on population cohorts in the Genome Aggregation Database (gnomAD). This alteration is expected to result in loss of function by premature protein truncation or nonsense-mediated mRNA decay. As such, this alteration is interpreted as a disease-causing mutation.

Baylor Genetics
Classification: Likely pathogenic for Aplastic anemia. Last evaluated: 2024-01-18. Review status: criteria provided, single submitter. Criteria: ACMG Guidelines, 2015. Collection method: clinical testing. Allele origin: unknown.